The following is an entry in ClinVar:

NM_016180.5(SLC45A2):c.902T>C (p.Met301Thr)

Gene: SLC45A2 (solute carrier family 45 member 2; minus strand). Cytogenetic location: 5p13.2.
Variant type: single nucleotide variant.
Coding change: c.902T>C on transcript NM_016180.5 (MANE Select); coding-DNA position 902, T replaced by C.
Protein change: p.Met301Thr; replaces methionine 301 with threonine.
Molecular consequence: missense variant. On other transcripts: synonymous variant (1).
Genome position (GRCh38, 1-based): chr5:33,954,491, A>G on the plus strand (T>C on the coding strand, the complement: SLC45A2 is on the minus strand). VCF-style: chr5-33954491-A-G. GRCh37 (hg19) VCF-style: chr5-33954596-A-G.
Other names: c.902T>C, p.Met301Thr (NM_001012509.4); c.576T>C, p.Asn192= (NM_001297417.4); c.902T>C (NM_016180.3); short protein forms M301T.
Identifiers: ClinVar variation 1521814 (VCV001521814.8), dbSNP rs572849798, ClinGen allele CA3225647.

ClinVar aggregate classification (germline): Uncertain significance. Review status: criteria provided, multiple submitters, no conflicts (2 of 4 stars). 3 submissions from 3 submitters: Uncertain significance (3). Last evaluated 2024-10-08.

Conditions:
Inborn genetic diseases. Identifiers: MedGen C0950123, MeSH D030342.

Allele frequency attached by ClinVar (database versions not stated): gnomAD exomes 0.00002 and below 0.00001; TOPMed 0.00034; ExAC 0.00001; gnomAD 0.00012 and 0.00011; 1000 Genomes Project 0.00020; 1000 Genomes Project 30x 0.00031.
gnomAD v4.1: 26 of 1,613,988 alleles (0.0016%); highest among the groups gnomAD compares: Admixed American, 0.028%; no homozygotes.

Submissions (3):

Ambry Genetics
Classification: Uncertain significance for Inborn genetic diseases. Last evaluated: 2024-10-08. Review status: criteria provided, single submitter. Criteria: Ambry Variant Classification Scheme 2023. Collection method: clinical testing. Allele origin: germline.

Labcorp Genetics (formerly Invitae), Labcorp
Classification: Uncertain significance. Last evaluated: 2022-07-19. Review status: criteria provided, single submitter. Criteria: Invitae Variant Classification Sherloc (09022015). Collection method: clinical testing. Allele origin: germline.
Comment: This sequence change replaces methionine, which is neutral and non-polar, with threonine, which is neutral and polar, at codon 301 of the SLC45A2 protein (p.Met301Thr). This variant is present in population databases (rs572849798, gnomAD 0.008%). This variant has not been reported in the literature in individuals affected with SLC45A2-related conditions. ClinVar contains an entry for this variant (Variation ID: 1521814). Algorithms developed to predict the effect of missense changes on protein structure and function (SIFT, PolyPhen-2, Align-GVGD) all suggest that this variant is likely to be disruptive. In summary, the available evidence is currently insufficient to determine the role of this variant in disease. Therefore, it has been classified as a Variant of Uncertain Significance.

Blueprint Genetics
Classification: Uncertain significance. Last evaluated: 2022-05-04. Review status: criteria provided, single submitter. Criteria: ACMG Guidelines, 2015. Collection method: clinical testing. Allele origin: germline.